The following is an entry in ClinVar:

NM_000093.5(COL5A1):c.5136+77G>T

Genes: COL5A1 (collagen type V alpha 1 chain; plus strand), LOC101448202 (uncharacterized LOC101448202; minus strand). Cytogenetic location: 9q34.3.
Variant type: single nucleotide variant.
Coding change: c.5136+77G>T on transcript NM_000093.5 (MANE Select); 77 bases into the intron after coding-DNA position 5136, G replaced by T.
Molecular consequence: intron variant. On other transcripts: missense variant (1).
Genome position (GRCh38, 1-based): chr9:134,830,121, G>T. VCF-style: chr9-134830121-G-T. GRCh37 (hg19) VCF-style: chr9-137721967-G-T.
Other names: c.5081G>T, p.Arg1694Leu (NM_001278074.1); short protein forms R1694L.
Identifiers: ClinVar variation 3043155 (VCV003043155.2), dbSNP rs377732839, ClinGen allele CA5320616.
Genomic context (GRCh38, chr9:134,830,121, plus strand): 5'-CGTCTTTGCGGTTGTCACTTTAAACCCGCCCATCTCGTATCTTACAGAGTAAAATGGCCC[G>T]CTGGCCCAAAGAGCAGCCTTCCACCTGGTATAGTCAGTACAAGCGGGGGTCCCTGGTAAG-3'

ClinVar aggregate classification (germline): Likely benign (0 of 4 stars; one submission).

Conditions:
COL5A1-related disorder. Also called: COL5A1-related condition.

Allele frequency attached by ClinVar (database versions not stated): ESP Exome Variant Server 0.00017; 1000 Genomes Project 30x 0.00078; 1000 Genomes Project 0.00080.
gnomAD v4.1: 495 of 1,612,620 alleles (0.031%); highest among the groups gnomAD compares: South Asian, 0.45%; 5 homozygotes.

Submission:

PreventionGenetics, part of Exact Sciences
Classification: Likely benign for COL5A1-related condition. Last evaluated: 2019-06-27. Review status: no assertion criteria provided. Collection method: clinical testing. Allele origin: germline.
Comment: This variant is classified as likely benign based on ACMG/AMP sequence variant interpretation guidelines (Richards et al. 2015 PMID: 25741868, with internal and published modifications).